The following is an entry in ClinVar:

ClinVar aggregate classification (germline): Uncertain significance. Review status: criteria provided, multiple submitters, no conflicts (2 of 4 stars). 2 submissions from 2 submitters: Uncertain significance (2). Last evaluated 2023-06-07.

Conditions:
Inborn genetic diseases. Identifiers: MedGen C0950123, MeSH D030342.
Pyogenic arthritis-pyoderma gangrenosum-acne syndrome (PAPA). Also called: PAPA SYNDROME; FAMILIAL RECURRENT ARTHRITIS. Identifiers: Orphanet 69126, MedGen C1858361, MONDO:0011462, OMIM 604416.

gnomAD v4.1: 13 of 1,612,138 alleles (0.00081%); highest among the groups gnomAD compares: Non-Finnish European, 0.001%; no homozygotes.

Submissions (2):

Ambry Genetics
Classification: Uncertain significance for Inborn genetic diseases. Last evaluated: 2023-06-07. Review status: criteria provided, single submitter. Criteria: Ambry Variant Classification Scheme 2023. Collection method: clinical testing. Allele origin: germline.

Labcorp Genetics (formerly Invitae), Labcorp
Classification: Uncertain significance for Pyogenic arthritis-pyoderma gangrenosum-acne syndrome. Last evaluated: 2022-09-27. Review status: criteria provided, single submitter. Criteria: Invitae Variant Classification Sherloc (09022015). Collection method: clinical testing. Allele origin: germline.
Comment: This variant has not been reported in the literature in individuals affected with PSTPIP1-related conditions. This variant is present in population databases (rs145344175, gnomAD 0.003%). This sequence change replaces alanine, which is neutral and non-polar, with serine, which is neutral and polar, at codon 382 of the PSTPIP1 protein (p.Ala382Ser). Advanced modeling of protein sequence and biophysical properties (such as structural, functional, and spatial information, amino acid conservation, physicochemical variation, residue mobility, and thermodynamic stability) performed at Invitae indicates that this missense variant is not expected to disrupt PSTPIP1 protein function. In summary, the available evidence is currently insufficient to determine the role of this variant in disease. Therefore, it has been classified as a Variant of Uncertain Significance.

NM_003978.5(PSTPIP1):c.1144G>T (p.Ala382Ser)

Gene: PSTPIP1 (proline-serine-threonine phosphatase interacting protein 1; plus strand). Cytogenetic location: 15q24.3.
Variant type: single nucleotide variant.
Coding change: c.1144G>T on transcript NM_003978.5 (MANE Select); coding-DNA position 1144, G replaced by T.
Protein change: p.Ala382Ser; replaces alanine 382 with serine.
Molecular consequence: missense variant. On other transcripts: non-coding transcript variant (1).
Genome position (GRCh38, 1-based): chr15:77,037,069, G>T. VCF-style: chr15-77037069-G-T. GRCh37 (hg19) VCF-style: chr15-77329410-G-T.
Other names: c.1087G>T, p.Ala363Ser (NM_001321135.2); c.1117G>T, p.Ala373Ser (NM_001321136.2); c.1339G>T, p.Ala447Ser (NM_001321137.1); c.1135G>T, p.Ala379Ser (NM_001411086.1); short protein forms A447S, A382S, A363S, A373S, A379S.
Identifiers: ClinVar variation 2521531 (VCV002521531.5), dbSNP rs145344175, ClinGen allele CA7676205.